The following is an entry in ClinVar:

NM_000455.5(STK11):c.144G>T (p.Lys48Asn)

Gene: STK11 (serine/threonine kinase 11; plus strand). Cytogenetic location: 19p13.3.
Variant type: single nucleotide variant.
Coding change: c.144G>T on transcript NM_000455.5 (MANE Select); coding-DNA position 144, G replaced by T.
Protein change: p.Lys48Asn; replaces lysine 48 with asparagine.
Molecular consequence: missense variant.
Genome position (GRCh38, 1-based): chr19:1,207,057, G>T. VCF-style: chr19-1207057-G-T. GRCh37 (hg19) VCF-style: chr19-1207056-G-T.
Other names: short protein forms K48N.
Identifiers: ClinVar variation 952944 (VCV000952944.9), dbSNP rs1555734974, ClinGen allele CA402944051.
Genomic context (GRCh38, chr19:1,207,057, plus strand): 5'-CATCGACTCCACCGAGGTCATCTACCAGCCGCGCCGCAAGCGGGCCAAGCTCATCGGCAA[G>T]TACCTGATGGGGGACCTGCTGGGGGAAGGCTCTTACGGCAAGGTGAAGGAGGTGCTGGAC-3'
Protein context (NP_000446.1, residues 38-58): PRRKRAKLIG[Lys48Asn]YLMGDLLGEG

ClinVar aggregate classification (germline): Uncertain significance (1 of 4 stars; one submission).

Conditions:
Peutz-Jeghers syndrome (PJS). Also called: POLYPOSIS, HAMARTOMATOUS INTESTINAL; POLYPS-AND-SPOTS SYNDROME; Peutz-Jeghers polyposis; Periorificial lentiginosis syndrome. Identifiers: Orphanet 2869, MedGen C0031269, MeSH D010580, MONDO:0008280, OMIM 175200.

Submission:

Labcorp Genetics (formerly Invitae), Labcorp
Classification: Uncertain significance for Peutz-Jeghers syndrome. Last evaluated: 2019-08-13. Review status: criteria provided, single submitter. Criteria: Invitae Variant Classification Sherloc (09022015). Collection method: clinical testing. Allele origin: germline.
Comment: In summary, the available evidence is currently insufficient to determine the role of this variant in disease. Therefore, it has been classified as a Variant of Uncertain Significance. Algorithms developed to predict the effect of missense changes on protein structure and function are either unavailable or do not agree on the potential impact of this missense change (SIFT: "Tolerated"; PolyPhen-2: "Probably Damaging"; Align-GVGD: "Class C0"). This variant has not been reported in the literature in individuals with STK11-related conditions. This variant is not present in population databases (ExAC no frequency). This sequence change replaces lysine with asparagine at codon 48 of the STK11 protein (p.Lys48Asn). The lysine residue is highly conserved and there is a moderate physicochemical difference between lysine and asparagine.